The following is an entry in ClinVar:

NM_001429.4(EP300):c.5510G>T (p.Arg1837Leu)

Gene: EP300 (E1A binding protein p300; plus strand). Cytogenetic location: 22q13.2.
Variant type: single nucleotide variant.
Coding change: c.5510G>T on transcript NM_001429.4 (MANE Select); coding-DNA position 5510, G replaced by T.
Protein change: p.Arg1837Leu; replaces arginine 1837 with leucine.
Molecular consequence: missense variant.
Genome position (GRCh38, 1-based): chr22:41,177,221, G>T. VCF-style: chr22-41177221-G-T. GRCh37 (hg19) VCF-style: chr22-41573225-G-T.
Other names: c.5432G>T, p.Arg1811Leu (NM_001362843.2); short protein forms R1811L, R1837L.
Identifiers: ClinVar variation 3357610 (VCV003357610.1).

ClinVar aggregate classification (germline): Uncertain significance (0 of 4 stars; one submission).

Conditions:
EP300-related disorder. Also called: EP300-related disorders; EP300-related condition.

gnomAD v4.1: 1 of 1,614,064 alleles (0.000062%); highest among the groups gnomAD compares: Non-Finnish European, 0.000085%; no homozygotes.

Submission:

PreventionGenetics, part of Exact Sciences
Classification: Uncertain significance for EP300-related condition. Last evaluated: 2024-08-04. Review status: no assertion criteria provided. Collection method: clinical testing. Allele origin: germline.
Comment: The EP300 c.5510G>T variant is predicted to result in the amino acid substitution p.Arg1837Leu. To our knowledge, this variant has not been reported in the literature. This variant is reported in 0.00088% of alleles in individuals of European (Non-Finnish) descent in gnomAD. At this time, the clinical significance of this variant is uncertain due to the absence of conclusive functional and genetic evidence.